The following is an entry in ClinVar:

NM_000179.3(MSH6):c.2906A>C (p.Tyr969Ser)

Gene: MSH6 (mutS homolog 6; plus strand). Cytogenetic location: 2p16.3.
Variant type: single nucleotide variant.
Coding change: c.2906A>C on transcript NM_000179.3 (MANE Select); coding-DNA position 2906, A replaced by C.
Protein change: p.Tyr969Ser; replaces tyrosine 969 with serine.
Molecular consequence: missense variant.
Genome position (GRCh38, 1-based): chr2:47,800,889, A>C. VCF-style: chr2-47800889-A-C. GRCh37 (hg19) VCF-style: chr2-48028028-A-C.
Other names: p.Tyr969Ser; c.2516A>C, p.Tyr839Ser (NM_001281492.2); c.2000A>C, p.Tyr667Ser (NM_001281493.2, NM_001281494.2); short protein forms Y969S, Y667S, Y839S.
Identifiers: ClinVar variation 89321 (VCV000089321.17), dbSNP rs63749919, ClinGen allele CA011072.

ClinVar aggregate classification (germline): Conflicting classifications of pathogenicity. Review status: criteria provided, conflicting classifications (1 of 4 stars). 6 submissions from 6 submitters: Likely pathogenic (2); Uncertain significance (4). Last evaluated 2024-08-21.

Conditions:
MSH6-related disorder. Also called: MSH6-related condition; MSH6-Related disorders.
Hereditary cancer-predisposing syndrome. Also called: Tumor predisposition; Hereditary Cancer Syndrome; Hereditary neoplastic syndrome; Neoplastic Syndromes, Hereditary. Identifiers: Orphanet 140162, MedGen C0027672, MeSH D009386, MONDO:0015356.
Hereditary nonpolyposis colorectal neoplasms. Identifiers: MedGen C0009405, MeSH D003123.
Mismatch repair cancer syndrome 3. Identifiers: MedGen C5436807, MONDO:0030841, OMIM 619097.
Endometrial carcinoma. Also called: Endometrial carcinoma, somatic. Identifiers: MedGen C0476089, MONDO:0002447, OMIM 608089, HP:0012114.
Lynch syndrome 5 (LYNCH5). Also called: Colorectal cancer, hereditary nonpolyposis, type 5; Hereditary non-polyposis colorectal cancer, type 5. Identifiers: Orphanet 144, MedGen C1833477, MONDO:0013710, OMIM 614350. Disease mechanism: loss of function.

Submissions (6):

Labcorp Genetics (formerly Invitae), Labcorp
Classification: Uncertain significance for Hereditary nonpolyposis colorectal neoplasms. Last evaluated: 2024-08-21. Review status: criteria provided, single submitter. Criteria: Invitae Variant Classification Sherloc (09022015). Collection method: clinical testing. Allele origin: germline.
Comment: This sequence change replaces tyrosine, which is neutral and polar, with serine, which is neutral and polar, at codon 969 of the MSH6 protein (p.Tyr969Ser). This variant is not present in population databases (gnomAD no frequency). This variant has not been reported in the literature in individuals affected with MSH6-related conditions. ClinVar contains an entry for this variant (Variation ID: 89321). Invitae Evidence Modeling of protein sequence and biophysical properties (such as structural, functional, and spatial information, amino acid conservation, physicochemical variation, residue mobility, and thermodynamic stability) has been performed for this missense variant. However, the output from this modeling did not meet the statistical confidence thresholds required to predict the impact of this variant on MSH6 protein function. In summary, the available evidence is currently insufficient to determine the role of this variant in disease. Therefore, it has been classified as a Variant of Uncertain Significance.

Molecular Genetics and NGS Laboratory, Hospital Fundacion Valle Del Lili
Classification: Likely pathogenic for Lynch syndrome 5; Endometrial carcinoma. Last evaluated: 2023-11-14. Review status: criteria provided, single submitter. Criteria: ACMG Guidelines, 2015. Collection method: clinical testing. Allele origin: germline. Affected: yes. Observed: 1 variant allele.

Quest Diagnostics Nichols Institute San Juan Capistrano
Classification: Uncertain significance. Last evaluated: 2023-05-17. Review status: criteria provided, single submitter. Criteria: Quest Diagnostics criteria. Collection method: clinical testing. Allele origin: unknown.
Comment: In the published literature, this variant has been reported in individuals with a personal or family history of breast and/or ovarian cancer (PMID: 28528518 (2017)), as well as healthy individuals (PMID: 33471991 (2021), see also LOVD). This variant has not been reported in large, multi-ethnic general populations (Genome Aggregation Database). Analysis of this variant using bioinformatics tools for the prediction of the effect of amino acid changes on protein structure and function yielded predictions that this variant is damaging. Based on the available information, we are unable to determine the clinical significance of this variant.

PreventionGenetics, part of Exact Sciences
Classification: Uncertain significance for MSH6-related condition. Last evaluated: 2023-03-09. Review status: criteria provided, single submitter. Criteria: ACMG Guidelines, 2015. Collection method: clinical testing. Allele origin: germline.
Comment: The MSH6 c.2906A>C variant is predicted to result in the amino acid substitution p.Tyr969Ser. This variant was reported as a variant of uncertain significance in a study of women with hereditary breast and ovarian cancer (Cock-Rada et al. 2018. PubMed ID: 28528518). In addition, this variant was also predicted to be benign by one computational tool (PON-MMR2) (Supporting Table S3, Niroula et al. 2015. PubMed ID: 26333163). This variant has not been reported in a large population database, indicating this variant is rare, and is interpreted as a variant of uncertain significance in ClinVar. At this time, the clinical significance of this variant is uncertain due to the absence of conclusive functional and genetic evidence.

Department of Pathology and Laboratory Medicine, Sinai Health System
Classification: Likely pathogenic for Endometrial carcinoma; Lynch syndrome 5; Mismatch repair cancer syndrome 3. Last evaluated: 2020-09-03. Review status: criteria provided, single submitter. Criteria: ACMG Guidelines, 2015. Collection method: clinical testing. Allele origin: germline.

Ambry Genetics
Classification: Uncertain significance for Hereditary cancer-predisposing syndrome. Last evaluated: 2017-12-08. Review status: criteria provided, single submitter. Criteria: Ambry Variant Classification Scheme 2023. Collection method: clinical testing. Allele origin: germline.
Comment: The p.Y969S variant (also known as c.2906A>C), located in coding exon 4 of the MSH6 gene, results from an A to C substitution at nucleotide position 2906. The tyrosine at codon 969 is replaced by serine, an amino acid with dissimilar properties. This variant was reported as a VUS in a cohort of 85 women meeting testing criteria for hereditary breast and ovarian cancer who underwent testing with a 25-gene panel (Cock-Rada AM et al. Fam Cancer. 2017 May 20. doi: 10.1007/s10689-017-0004-z. [Epub ahead of print]). This alteration has been predicted benign by one computational tool (PON-MMR2) assessing the probability of pathogenicity of variants in mismatch repair genes (Niroula A et al. Hum. Mutat. 2015 Dec;36(12):1128-34). This amino acid position is well conserved in available vertebrate species. In addition, this alteration is predicted to be deleterious by in silico analysis. In addition, the CoDP in silico tool predicts p.Y969S likely to impact molecular function, with a score of 0.999 (Terui H et al. J. Biomed. Sci. 2013 Apr;20:25). Since supporting evidence is limited at this time, the clinical significance of this alteration remains unclear.

Literature cited by the submitters: PubMed 33471991 (cited by Quest Diagnostics Nichols Institute San Juan Capistrano); PubMed 26333163 (cited by Quest Diagnostics Nichols Institute San Juan Capistrano and Ambry Genetics); PubMed 28528518 (cited by 3 submitters); PubMed 16813607 (cited by Quest Diagnostics Nichols Institute San Juan Capistrano).